The following is an entry in ClinVar:

NM_006389.5(HYOU1):c.2790C>G (p.Leu930=)

Gene: HYOU1 (hypoxia up-regulated 1; minus strand). Cytogenetic location: 11q23.3.
Variant type: single nucleotide variant.
Coding change: c.2790C>G on transcript NM_006389.5 (MANE Select); coding-DNA position 2790, C replaced by G.
Protein change: p.Leu930=; no amino-acid change (leucine 930 retained).
Molecular consequence: synonymous variant.
Genome position (GRCh38, 1-based): chr11:119,046,608, G>C on the plus strand (C>G on the coding strand, the complement: HYOU1 is on the minus strand). VCF-style: chr11-119046608-G-C. GRCh37 (hg19) VCF-style: chr11-118917320-G-C.
Other names: c.2790C>G, p.Leu930= (NM_001130991.3, NM_001411041.1).
Identifiers: ClinVar variation 1949941 (VCV001949941.5), dbSNP rs1253974881, ClinGen allele CA2003801912.
Genomic context (GRCh38, chr11:119,046,608, plus strand): 5'-TACCCTGTTCTCACCTGCTGGAGGGATGACCTTCTCCCCCTGGTCACTGGCACTGGCATT[G>C]AGGGGTGGCTCTGCCCGGGTCCCATTCTTGTCCTTAGGCCGGGGCCGGGGCTTGGTAAAC-3'
Protein context (NP_006380.1, residues 920-940): DKNGTRAEPP[Leu930=]NASASDQGEK

ClinVar aggregate classification (germline): Uncertain significance (1 of 4 stars; one submission).

Submission:

Labcorp Genetics (formerly Invitae), Labcorp
Classification: Uncertain significance. Last evaluated: 2023-10-13. Review status: criteria provided, single submitter. Criteria: Invitae Variant Classification Sherloc (09022015). Collection method: clinical testing. Allele origin: germline.
Comment: This sequence change affects codon 930 of the HYOU1 mRNA. It is a 'silent' change, meaning that it does not change the encoded amino acid sequence of the HYOU1 protein. This variant is not present in population databases (gnomAD no frequency). This variant has not been reported in the literature in individuals affected with HYOU1-related conditions. ClinVar contains an entry for this variant (Variation ID: 1949941). Experimental studies and prediction algorithms are not available or were not evaluated, and the effect of this variant on mRNA splicing is currently unknown. In summary, the available evidence is currently insufficient to determine the role of this variant in disease. Therefore, it has been classified as a Variant of Uncertain Significance.